The following is an entry in ClinVar:

ClinVar aggregate classification (germline): Likely pathogenic (1 of 4 stars; one submission).

Conditions:
Very long chain acyl-CoA dehydrogenase deficiency (ACADVLD). Also called: Very Long-Chain Acyl-Coenzyme A Dehydrogenase Deficiency; VLCAD Deficiency. Identifiers: Orphanet 26793, MedGen C3887523, MONDO:0008723, OMIM 201475.

Submission:

Labcorp Genetics (formerly Invitae), Labcorp
Classification: Likely pathogenic for Very long chain acyl-CoA dehydrogenase deficiency. Last evaluated: 2023-05-11. Review status: criteria provided, single submitter. Criteria: Invitae Variant Classification Sherloc (09022015). Collection method: clinical testing. Allele origin: germline.
Comment: In summary, the currently available evidence indicates that the variant is pathogenic, but additional data are needed to prove that conclusively. Therefore, this variant has been classified as Likely Pathogenic. Algorithms developed to predict the effect of sequence changes on RNA splicing suggest that this variant may disrupt the consensus splice site. This variant has not been reported in the literature in individuals affected with ACADVL-related conditions. This variant is not present in population databases (gnomAD no frequency). This sequence change affects an acceptor splice site in intron 15 of the ACADVL gene. It is expected to disrupt RNA splicing. Variants that disrupt the donor or acceptor splice site typically lead to a loss of protein function (PMID: 16199547), and loss-of-function variants in ACADVL are known to be pathogenic (PMID: 9973285, 11590124).

Literature cited by the submitters: PubMed 16199547; PubMed 9973285; PubMed 11590124.

NM_000018.4(ACADVL):c.1533-2A>G

Gene: ACADVL (acyl-CoA dehydrogenase very long chain; plus strand). Cytogenetic location: 17p13.1.
Variant type: single nucleotide variant.
Coding change: c.1533-2A>G on transcript NM_000018.4 (MANE Select); the canonical splice acceptor site of the intron before coding-DNA position 1533, A replaced by G.
Molecular consequence: splice acceptor variant.
Genome position (GRCh38, 1-based): chr17:7,224,319, A>G. VCF-style: chr17-7224319-A-G. GRCh37 (hg19) VCF-style: chr17-7127638-A-G.
Other names: c.1602-2A>G (NM_001270447.2); c.1305-2A>G (NM_001270448.2); c.1467-2A>G (NM_001033859.3).
Identifiers: ClinVar variation 2843784 (VCV002843784.3), dbSNP rs996348255, ClinGen allele CA397725323.
Genomic context (GRCh38, chr17:7,224,319, plus strand): 5'-GAGCCAGGGGAGGGCAGGGTGGTGTATGGCAACTAACCAGTCATTCTCCCTCTTCCTCTC[A>G]GGCGGGCAGGGCTGGGCAGCGGCCTGAGTCTCAGCGGACTTGTCCACCCGGAGTTGAGTC-3'